The following is an entry in ClinVar:

NM_000465.4(BARD1):c.1330G>A (p.Val444Ile)

Gene: BARD1 (BRCA1 associated RING domain 1; minus strand). Cytogenetic location: 2q35.
Variant type: single nucleotide variant.
Coding change: c.1330G>A on transcript NM_000465.4 (MANE Select); coding-DNA position 1330, G replaced by A.
Protein change: p.Val444Ile; replaces valine 444 with isoleucine.
Molecular consequence: missense variant. On other transcripts: non-coding transcript variant (3), intron variant (3).
Genome position (GRCh38, 1-based): chr2:214,769,297, C>T on the plus strand (G>A on the coding strand, the complement: BARD1 is on the minus strand). VCF-style: chr2-214769297-C-T. GRCh37 (hg19) VCF-style: chr2-215634021-C-T.
Other names: c.1273G>A, p.Val425Ile (NM_001282543.2); c.159-16742G>A (NM_001282548.2); c.216-16742G>A (NM_001282545.2); c.364+23000G>A (NM_001282549.2); short protein forms V425I, V444I.
Identifiers: ClinVar variation 953374 (VCV000953374.10), dbSNP rs1694364820, ClinGen allele CA350450496.

ClinVar aggregate classification (germline): Uncertain significance (1 of 4 stars; one submission).

Conditions:
Familial cancer of breast. Also called: hereditary breast carcinoma; Hereditary breast cancer; BREAST CANCER, FAMILIAL. Identifiers: Orphanet 227535, MedGen C0346153, MONDO:0016419, OMIM 114480. Disease mechanism: loss of function.

Allele frequency attached by ClinVar (database versions not stated): gnomAD exomes below 0.00001.
gnomAD v4.1: 1 of 1,613,232 alleles (0.000062%); highest among the groups gnomAD compares: South Asian, 0.0011%; no homozygotes.

Submission:

Labcorp Genetics (formerly Invitae), Labcorp
Classification: Uncertain significance for Familial cancer of breast. Last evaluated: 2025-02-11. Review status: criteria provided, single submitter. Criteria: Invitae Variant Classification Sherloc (09022015). Collection method: clinical testing. Allele origin: germline.
Comment: This sequence change replaces valine, which is neutral and non-polar, with isoleucine, which is neutral and non-polar, at codon 444 of the BARD1 protein (p.Val444Ile). This variant is not present in population databases (gnomAD no frequency). This variant has not been reported in the literature in individuals affected with BARD1-related conditions. ClinVar contains an entry for this variant (Variation ID: 953374). An algorithm developed to predict the effect of missense changes on protein structure and function (PolyPhen-2) suggests that this variant is likely to be tolerated. In summary, the available evidence is currently insufficient to determine the role of this variant in disease. Therefore, it has been classified as a Variant of Uncertain Significance.